The following is an entry in ClinVar:

ClinVar aggregate classification (germline): Uncertain significance (1 of 4 stars; one submission).

Submission:

Labcorp Genetics (formerly Invitae), Labcorp
Classification: Uncertain significance. Last evaluated: 2025-08-12. Review status: criteria provided, single submitter. Criteria: Invitae Variant Classification Sherloc (09022015). Collection method: clinical testing. Allele origin: germline.
Comment: This sequence change falls in intron 8 of the DDX41 gene. It does not directly change the encoded amino acid sequence of the DDX41 protein. This variant is not present in population databases (gnomAD no frequency). This variant has not been reported in the literature in individuals affected with DDX41-related conditions. Algorithms developed to predict the effect of sequence changes on RNA splicing suggest that this variant may disrupt the consensus splice site. In summary, the available evidence is currently insufficient to determine the role of this variant in disease. Therefore, it has been classified as a Variant of Uncertain Significance.

NM_016222.4(DDX41):c.798+8_798+17del

Gene: DDX41 (DEAD-box helicase 41; minus strand). Cytogenetic location: 5q35.3.
Variant type: Deletion.
Coding change: c.798+8_798+17del on transcript NM_016222.4 (MANE Select); bases 8 to 17 of the intron after coding-DNA position 798, 10 bases deleted (AGGCTGGCCT; older notation c.798+8_798+17delAGGCTGGCCT).
Molecular consequence: intron variant.
Genome position (GRCh38, 1-based): chr5:177,514,899-177,514,908, AGGCCAGCCT deleted on the plus strand (AGGCTGGCCT on the coding strand, the reverse complement: DDX41 is on the minus strand); deleting any 10 consecutive bases within chr5:177,514,899-177,514,909 gives the same sequence; the c. name uses the placement nearest the transcript's 3' end. VCF-style (leftmost placement, unchanged base first): chr5-177514898-CAGGCCAGCCT-C. GRCh37 (hg19) VCF-style: chr5-176941899-CAGGCCAGCCT-C.
Other names: c.420+8_420+17del (NM_001321830.2, NM_001321732.2).
Identifiers: ClinVar variation 4725342 (VCV004725342.1).
Genomic context (GRCh38, chr5:177,514,898, plus strand): 5'-CTGCAGGCAGAGGGACAAAGGCTGGCACCAGATGGCAGCCCCAATCTCTGGCCTGCCCTC[CAGGCCAGCCT>C]ATCTTACCGAGGGGCAGATGATGAGTCCATAGGGCCCCTCGCGCTTTGAGAAGGGTAACC-3'